The following is an entry in ClinVar:

ClinVar aggregate classification (germline): Pathogenic (1 of 4 stars; one submission).

Submission:

Labcorp Genetics (formerly Invitae), Labcorp
Classification: Pathogenic. Last evaluated: 2022-06-13. Review status: criteria provided, single submitter. Criteria: Invitae Variant Classification Sherloc (09022015). Collection method: clinical testing. Allele origin: germline.
Comment: For these reasons, this variant has been classified as Pathogenic. This variant has not been reported in the literature in individuals affected with TTLL5-related conditions. This variant is not present in population databases (gnomAD no frequency). This sequence change creates a premature translational stop signal (p.Ser1185Profs*6) in the TTLL5 gene. It is expected to result in an absent or disrupted protein product. Loss-of-function variants in TTLL5 are known to be pathogenic (PMID: 24791901, 27162334).

Literature cited by the submitters: PubMed 24791901; PubMed 27162334.

NM_015072.5(TTLL5):c.3552del (p.Ser1185fs)

Gene: TTLL5 (tubulin tyrosine ligase like 5; plus strand). Cytogenetic location: 14q24.3.
Variant type: Deletion.
Coding change: c.3552del on transcript NM_015072.5 (MANE Select); coding-DNA position 3552, one base deleted (C; older notation c.3552delC).
Protein change: p.Ser1185fs; shifts the reading frame from serine 1185.
Molecular consequence: frameshift variant.
Genome position (GRCh38, 1-based): chr14:75,882,714, C deleted. VCF-style (leftmost placement, unchanged base first): chr14-75882713-AC-A. GRCh37 (hg19) VCF-style: chr14-76349056-AC-A.
Other names: short protein forms S1185fs.
Identifiers: ClinVar variation 1442426 (VCV001442426.6), dbSNP rs2140023956, ClinGen allele CA2573150225.
Genomic context (GRCh38, chr14:75,882,713, plus strand): 5'-CATCGATCATTTTTTTCCTTTTTTTTTTGTAGGCAATCTTTGGCAGCCAGACACTACCTA[AC>A]TCCAATTTATGGACAATGAATAATGGTGCAGGTTGTAGAATTTCCAGTGCCACAGCTAGT-3'